The following is an entry in ClinVar:

NM_001271.4(CHD2):c.5036G>A (p.Arg1679Gln)

Gene: CHD2 (chromodomain helicase DNA binding protein 2; plus strand). Cytogenetic location: 15q26.1.
Variant type: single nucleotide variant.
Coding change: c.5036G>A on transcript NM_001271.4 (MANE Select); coding-DNA position 5036, G replaced by A.
Protein change: p.Arg1679Gln; replaces arginine 1679 with glutamine.
Molecular consequence: missense variant.
Genome position (GRCh38, 1-based): chr15:93,020,141, G>A. VCF-style: chr15-93020141-G-A. GRCh37 (hg19) VCF-style: chr15-93563371-G-A.
Other names: short protein forms R1679Q.
Identifiers: ClinVar variation 588780 (VCV000588780.17), dbSNP rs373039868, ClinGen allele CA7748628.
Genomic context (GRCh38, chr15:93,020,141, plus strand): 5'-GCGACAGGCACCATCAGTATGAGCAGCACTGGTACAAGGACCACCATTATGGGGACCGGC[G>A]ACATATGGATGCCCACCGTTCCGGAAGCTATCGACCCAACAACATGTCCAGAAAGAGGCC-3'
Protein context (NP_001262.3, residues 1669-1689): WYKDHHYGDR[Arg1679Gln]HMDAHRSGSY

ClinVar aggregate classification (germline): Uncertain significance. Review status: criteria provided, multiple submitters, no conflicts (2 of 4 stars). 4 submissions from 4 submitters: Uncertain significance (4). Last evaluated 2025-11-04.

Conditions:
Inborn genetic diseases. Identifiers: MedGen C0950123, MeSH D030342.
Intellectual disability. Also called: Intellectual developmental disorder; Intellectual functioning disability; intellectual disabilities. Identifiers: MedGen C3714756, MeSH D008607, MONDO:0001071, HP:0001249.
Developmental and epileptic encephalopathy 94 (DEE94). Also called: CHD2-Related Neurodevelopmental Disorders; Epileptic encephalopathy, childhood-onset. Identifiers: Orphanet 1942, Orphanet 2382, MedGen C3809278, MONDO:0014150, OMIM 615369.

Allele frequency attached by ClinVar (database versions not stated): ExAC 0.00002; TOPMed 0.00004; gnomAD exomes 0.00001; gnomAD 0.00003 and 0.00004; ESP Exome Variant Server 0.00008.
gnomAD v4.1: 14 of 1,613,906 alleles (0.00087%); highest among the groups gnomAD compares: African/African-American, 0.004%; no homozygotes.

Submissions (4):

Labcorp Genetics (formerly Invitae), Labcorp
Classification: Uncertain significance for Developmental and epileptic encephalopathy 94. Last evaluated: 2025-11-04. Review status: criteria provided, single submitter. Criteria: Invitae Variant Classification Sherloc (09022015). Collection method: clinical testing. Allele origin: germline.
Comment: This sequence change replaces arginine, which is basic and polar, with glutamine, which is neutral and polar, at codon 1679 of the CHD2 protein (p.Arg1679Gln). This variant is present in population databases (rs373039868, gnomAD 0.006%). This variant has not been reported in the literature in individuals affected with CHD2-related conditions. ClinVar contains an entry for this variant (Variation ID: 588780). Invitae Evidence Modeling of protein sequence and biophysical properties (such as structural, functional, and spatial information, amino acid conservation, physicochemical variation, residue mobility, and thermodynamic stability) indicates that this missense variant is not expected to disrupt CHD2 protein function with a negative predictive value of 95%. In summary, the available evidence is currently insufficient to determine the role of this variant in disease. Therefore, it has been classified as a Variant of Uncertain Significance.

New York Genome Center
Classification: Uncertain significance for Developmental and epileptic encephalopathy 94. Last evaluated: 2022-01-14. Review status: criteria provided, single submitter. Criteria: NYGC Assertion Criteria 2020. Collection method: clinical testing. Allele origin: inherited. Observed: 1 heterozygote. Study: CSER-NYCKidSeq.

Cambridge Genomics Laboratory, East Genomic Laboratory Hub, NHS Genomic Medicine Service
Classification: Uncertain significance for Intellectual disability. Last evaluated: 2019-10-28. Review status: criteria provided, single submitter. Criteria: ACGS Best Practice Guidelines for Variant Classification in Rare Disease 2020. Collection method: clinical testing. Allele origin: germline. Affected: yes. Observed: 1 variant allele.

Ambry Genetics
Classification: Uncertain significance for Inborn genetic diseases. Last evaluated: 2017-02-10. Review status: criteria provided, single submitter. Criteria: Ambry Variant Classification Scheme 2023. Collection method: clinical testing. Allele origin: germline.
Comment: The p.R1679Q variant (also known as c.5036G>A), located in coding exon 37 of the CHD2 gene, results from a G to A substitution at nucleotide position 5036. The arginine at codon 1679 is replaced by glutamine, an amino acid with highly similar properties. This amino acid position is highly conserved in available vertebrate species. In addition, this alteration is predicted to be deleterious by in silico analysis. Since supporting evidence is limited at this time, the clinical significance of this alteration remains unclear.